The following is an entry in ClinVar:

ClinVar aggregate classification (germline): Uncertain significance (1 of 4 stars; one submission).

Allele frequency attached by ClinVar (database versions not stated): TOPMed below 0.00001; gnomAD exomes 0.00001.
gnomAD v4.1: 3 of 1,614,060 alleles (0.00019%); highest among the groups gnomAD compares: Non-Finnish European, 0.00025%; no homozygotes.

Submission:

Ambry Genetics
Classification: Uncertain significance. Last evaluated: 2024-07-29. Review status: criteria provided, single submitter. Criteria: Ambry Variant Classification Scheme 2023. Collection method: clinical testing. Allele origin: germline.
Comment: The p.Y996C variant (also known as c.2987A>G), located in coding exon 24 of the BUB1 gene, results from an A to G substitution at nucleotide position 2987. The tyrosine at codon 996 is replaced by cysteine, an amino acid with highly dissimilar properties. This amino acid position is conserved. In addition, this alteration is predicted to be deleterious by in silico analysis. Since supporting evidence is limited at this time, the clinical significance of this alteration remains unclear.

NM_004336.5(BUB1):c.2987A>G (p.Tyr996Cys)

Gene: BUB1 (BUB1 mitotic checkpoint serine/threonine kinase; minus strand). Cytogenetic location: 2q13.
Variant type: single nucleotide variant.
Coding change: c.2987A>G on transcript NM_004336.5 (MANE Select); coding-DNA position 2987, A replaced by G.
Protein change: p.Tyr996Cys; replaces tyrosine 996 with cysteine.
Molecular consequence: missense variant.
Genome position (GRCh38, 1-based): chr2:110,639,817, T>C on the plus strand (A>G on the coding strand, the complement: BUB1 is on the minus strand). VCF-style: chr2-110639817-T-C. GRCh37 (hg19) VCF-style: chr2-111397394-T-C.
Other names: c.2927A>G, p.Tyr976Cys (NM_001278616.2); c.2816A>G, p.Tyr939Cys (NM_001278617.2); short protein forms Y976C, Y996C, Y939C.
Identifiers: ClinVar variation 1798455 (VCV001798455.3), dbSNP rs1689454707, ClinGen allele CA348088836.